The following is an entry in ClinVar:

NM_052947.4(ALPK2):c.5233A>G (p.Lys1745Glu)

Genes: ALPK2 (alpha kinase 2; minus strand), LOC130062577 (ATAC-STARR-seq lymphoblastoid active region 13389; plus strand). Cytogenetic location: 18q21.31.
Variant type: single nucleotide variant.
Coding change: c.5233A>G on transcript NM_052947.4 (MANE Select); coding-DNA position 5233, A replaced by G.
Protein change: p.Lys1745Glu; replaces lysine 1745 with glutamic acid.
Molecular consequence: missense variant.
Genome position (GRCh38, 1-based): chr18:58,534,954, T>C on the plus strand (A>G on the coding strand, the complement: ALPK2 is on the minus strand). VCF-style: chr18-58534954-T-C. GRCh37 (hg19) VCF-style: chr18-56202186-T-C.
Other names: short protein forms K1745E.
Identifiers: ClinVar variation 2561803 (VCV002561803.2), dbSNP rs951369873, ClinGen allele CA300926009.

ClinVar aggregate classification (germline): Uncertain significance (1 of 4 stars; one submission).

Allele frequency attached by ClinVar (database versions not stated): gnomAD exomes below 0.00001.
gnomAD v4.1: 1 of 1,614,160 alleles (0.000062%); highest among the groups gnomAD compares: Non-Finnish European, 0.000085%; no homozygotes.

Submission:

Ambry Genetics
Classification: Uncertain significance. Last evaluated: 2023-04-13. Review status: criteria provided, single submitter. Criteria: Ambry Variant Classification Scheme 2023. Collection method: clinical testing. Allele origin: germline.
Comment: The p.K1745E variant (also known as c.5233A>G), located in coding exon 4 of the ALPK2 gene, results from an A to G substitution at nucleotide position 5233. The lysine at codon 1745 is replaced by glutamic acid, an amino acid with similar properties. This amino acid position is conserved. In addition, this alteration is predicted to be tolerated by in silico analysis. Since supporting evidence is limited at this time, the clinical significance of this alteration remains unclear.